The following is an entry in ClinVar:

ClinVar aggregate classification (germline): Likely benign. Review status: criteria provided, multiple submitters, no conflicts (2 of 4 stars). 4 submissions from 4 submitters: Likely benign (4). Last evaluated 2026-01-26.

Conditions:
Familial hypercholesterolemia. Also called: Familial hypercholesterolemias; Familial hypercholesterolaemia. Identifiers: MedGen C0020445, MONDO:0005439.
Cardiovascular phenotype. Identifiers: MedGen CN230736.
Familial hypobetalipoproteinemia 1. Also called: Hypobetalipoproteinemia, normotriglyceridemic; Acanthocytosis with hypobetalipoproteinemia; APOB-Related Familial Hypobetalipoproteinemia. Identifiers: MedGen C4551990, MONDO:0014252, OMIM 615558.
Hypercholesterolemia, autosomal dominant, type B (FHCL2). Also called: Familial Hypercholesterolemia Type B; Familial hypercholesterolemia 2; Hyperlipoproteinemia Type IIb; HYPERCHOLESTEROLEMIA, FAMILIAL, DUE TO LIGAND-DEFECTIVE APOLIPOPROTEIN B; APOLIPOPROTEIN B-100, FAMILIAL DEFECTIVE; APOLIPOPROTEIN B-100, FAMILIAL LIGAND-DEFECTIVE. Identifiers: MedGen C1704417, MONDO:0007751, OMIM 144010.

Allele frequency attached by ClinVar (database versions not stated): gnomAD exomes below 0.00001; ExAC 0.00001; gnomAD 0.00001; TOPMed 0.00002.
gnomAD v4.1: 7 of 1,613,914 alleles (0.00043%); highest among the groups gnomAD compares: Admixed American, 0.0033%; no homozygotes.

Submissions (4):

GENinCode PLC
Classification: Likely benign for Familial hypercholesterolemia. Last evaluated: 2026-01-26. Review status: criteria provided, single submitter. Criteria: ACMG Guidelines, 2015. Collection method: clinical testing. Allele origin: germline.
Comment: This is a synonymous (silent) variant that is not predicted to impact splicing and occurs at a nucleotide which is not highly conserved. This variant has been classified as Likely Benign (BP4, BP7).

Labcorp Genetics (formerly Invitae), Labcorp
Classification: Likely benign for Familial hypobetalipoproteinemia 1; Hypercholesterolemia, autosomal dominant, type B. Last evaluated: 2025-10-06. Review status: criteria provided, single submitter. Criteria: Invitae Variant Classification Sherloc (09022015). Collection method: clinical testing. Allele origin: germline.

Blueprint Genetics
Classification: Likely benign. Last evaluated: 2023-12-21. Review status: criteria provided, single submitter. Criteria: ACMG Guidelines, 2015. Collection method: clinical testing. Allele origin: germline.

Ambry Genetics
Classification: Likely benign for Cardiovascular phenotype. Last evaluated: 2016-11-18. Review status: criteria provided, single submitter. Criteria: Ambry Variant Classification Scheme 2023. Collection method: clinical testing. Allele origin: germline.

NM_000384.3(APOB):c.13182T>C (p.Val4394=)

Gene: APOB (apolipoprotein B; minus strand). Cytogenetic location: 2p24.1.
Variant type: single nucleotide variant.
Coding change: c.13182T>C on transcript NM_000384.3 (MANE Select); coding-DNA position 13182, T replaced by C.
Protein change: p.Val4394=; no amino-acid change (valine 4394 retained).
Molecular consequence: synonymous variant.
Genome position (GRCh38, 1-based): chr2:21,002,240, A>G on the plus strand (T>C on the coding strand, the complement: APOB is on the minus strand). VCF-style: chr2-21002240-A-G. GRCh37 (hg19) VCF-style: chr2-21225112-A-G.
Identifiers: ClinVar variation 920522 (VCV000920522.11), dbSNP rs765917049, ClinGen allele CA052106.
Genomic context (GRCh38, chr2:21,002,240, plus strand): 5'-CAGGTTCTTGATCAGACTGACTATCTTTTCTTCAAGTTCATAATATTTCACTGTCCAGCC[A>G]ACTATACTTGGATCAAAATATTCTTCACGAAGGGCCATAATGTATTGATGGATCTGCTGT-3'
Protein context (NP_000375.3, residues 4384-4404): LREEYFDPSI[Val4394=]GWTVKYYELE